The following is an entry in ClinVar:

NM_000535.7(PMS2):c.551T>C (p.Met184Thr)

Gene: PMS2 (PMS1 homolog 2, mismatch repair system component; minus strand). Cytogenetic location: 7p22.1.
Variant type: single nucleotide variant.
Coding change: c.551T>C on transcript NM_000535.7 (MANE Select); coding-DNA position 551, T replaced by C.
Protein change: p.Met184Thr; replaces methionine 184 with threonine.
Molecular consequence: missense variant. On other transcripts: non-coding transcript variant (1), intron variant (3).
Genome position (GRCh38, 1-based): chr7:5,999,262, A>G on the plus strand (T>C on the coding strand, the complement: PMS2 is on the minus strand). VCF-style: chr7-5999262-A-G. GRCh37 (hg19) VCF-style: chr7-6038893-A-G.
Other names: c.146T>C, p.Met49Thr (NM_001322003.2, NM_001322004.2, NM_001322005.2 and 2 more transcripts); c.551T>C, p.Met184Thr (NM_001322006.2, NM_001322014.2); c.233T>C, p.Met78Thr (NM_001322007.2, NM_001322008.2); c.242T>C, p.Met81Thr (NM_001322015.2); c.133-1839T>C (NM_001322013.2); c.-347-36T>C (NM_001322012.2, NM_001322011.2); c.551T>C (NM_000535.6); short protein forms M49T, M81T, M78T, M184T.
Identifiers: ClinVar variation 654051 (VCV000654051.18), dbSNP rs1583387794, ClinGen allele CA366744109.

ClinVar aggregate classification (germline): Uncertain significance. Review status: criteria provided, multiple submitters, no conflicts (2 of 4 stars). 7 submissions from 7 submitters: Uncertain significance (7). Last evaluated 2025-11-26.

Conditions:
Hereditary nonpolyposis colorectal neoplasms. Identifiers: MedGen C0009405, MeSH D003123.
Hereditary cancer-predisposing syndrome. Also called: Tumor predisposition; Hereditary neoplastic syndrome; Hereditary Cancer Syndrome; Neoplastic Syndromes, Hereditary. Identifiers: Orphanet 140162, MedGen C0027672, MeSH D009386, MONDO:0015356.
Lynch syndrome 4 (LYNCH4). Also called: Colorectal cancer, hereditary nonpolyposis, type 4; Hereditary non-polyposis colorectal cancer, type 4. Identifiers: Orphanet 144, MedGen C1838333, MONDO:0013699, OMIM 614337. Disease mechanism: loss of function.
PMS2-related disorder. Also called: PMS2-related condition.

Submissions (7):

PreventionGenetics, part of Exact Sciences
Classification: Uncertain significance for PMS2-related condition. Last evaluated: 2025-11-26. Review status: criteria provided, single submitter. Criteria: ACMG Guidelines, 2015. Collection method: clinical testing. Allele origin: germline.
Comment: The PMS2 c.551T>C variant is predicted to result in the amino acid substitution p.Met184Thr. To our knowledge, this variant has not been reported in the literature or in a large population database (gnomAD), indicating this variant is rare. This variant is interpreted as uncertain in ClinVar (Variation ID: 654051). At this time, the clinical significance of this variant is uncertain due to the absence of conclusive functional and genetic evidence.

Ambry Genetics
Classification: Uncertain significance for Hereditary cancer-predisposing syndrome. Last evaluated: 2025-08-28. Review status: criteria provided, single submitter. Criteria: Ambry Variant Classification Scheme 2023. Collection method: clinical testing. Allele origin: germline.
Comment: The p.M184T variant (also known as c.551T>C), located in coding exon 6 of the PMS2 gene, results from a T to C substitution at nucleotide position 551. The methionine at codon 184 is replaced by threonine, an amino acid with similar properties. This amino acid position is highly conserved in available vertebrate species. In addition, this alteration is predicted to be deleterious by in silico analysis. Based on the available evidence, the clinical significance of this variant remains unclear.

Color Diagnostics, LLC DBA Color Health
Classification: Uncertain significance for Hereditary cancer-predisposing syndrome. Last evaluated: 2025-07-17. Review status: criteria provided, single submitter. Criteria: ACMG Guidelines, 2015. Collection method: clinical testing. Allele origin: germline.
Comment: This missense variant replaces methionine with threonine at codon 184 of the PMS2 protein. Computational prediction suggests that this variant may have deleterious impact on protein structure and function. To our knowledge, functional studies have not been reported for this variant. This variant has not been reported in individuals affected with PMS2-related disorders in the literature. This variant has not been identified in the general population by the Genome Aggregation Database (gnomAD). The available evidence is insufficient to determine the role of this variant in disease conclusively. Therefore, this variant is classified as a Variant of Uncertain Significance.

Labcorp Genetics (formerly Invitae), Labcorp
Classification: Uncertain significance for Hereditary nonpolyposis colorectal neoplasms. Last evaluated: 2024-01-08. Review status: criteria provided, single submitter. Criteria: Invitae Variant Classification Sherloc (09022015). Collection method: clinical testing. Allele origin: germline.
Comment: This sequence change replaces methionine, which is neutral and non-polar, with threonine, which is neutral and polar, at codon 184 of the PMS2 protein (p.Met184Thr). This variant is not present in population databases (gnomAD no frequency). This variant has not been reported in the literature in individuals affected with PMS2-related conditions. ClinVar contains an entry for this variant (Variation ID: 654051). Advanced modeling of protein sequence and biophysical properties (such as structural, functional, and spatial information, amino acid conservation, physicochemical variation, residue mobility, and thermodynamic stability) performed at Invitae indicates that this missense variant is expected to disrupt PMS2 protein function with a positive predictive value of 80%. In summary, the available evidence is currently insufficient to determine the role of this variant in disease. Therefore, it has been classified as a Variant of Uncertain Significance.

GeneDx
Classification: Uncertain significance. Last evaluated: 2022-12-19. Review status: criteria provided, single submitter. Criteria: GeneDx Variant Classification Process June 2021. Collection method: clinical testing. Allele origin: germline. Affected: yes.
Comment: Not observed at significant frequency in large population cohorts (gnomAD); In silico analysis supports that this missense variant has a deleterious effect on protein structure/function; Has not been previously published as pathogenic or benign to our knowledge; This variant is associated with the following publications: (PMID: 11574484)

Sema4
Classification: Uncertain significance for Hereditary cancer-predisposing syndrome. Last evaluated: 2022-01-23. Review status: criteria provided, single submitter. Criteria: Sema4 Curation Guidelines. Collection method: curation. Allele origin: germline.
Comment: The PMS2 c.551T>C (p.M184T) variant has not been reported in the literature to our knowledge. It was not observed in the large and broad cohorts of the Genome Aggregation Database (PMID: 32461654). The variant has been reported in ClinVar (Variation ID 654051). In silico tools suggest the impact of the variant on protein function is deleterious, though these predictions have not been confirmed by functional studies. The evidence is insufficient to meet ACMG/AMP criteria for classifying the variant as benign or pathogenic. Thus, the clinical significance of this variant is currently uncertain.

Division of Medical Genetics, University of Washington
Classification: Uncertain significance for Lynch syndrome 4. Last evaluated: 2019-12-16. Review status: criteria provided, single submitter. Criteria: ACMG Guidelines, 2015. Collection method: clinical testing. Allele origin: germline. Affected: no. Study: CSER_CHARM.
Comment: To our knowledge, this sequence variant has not been previously reported in the literature. This variant is not present in population databases. In silico analyses indicate this is an evolutionarily conserved residue. Thus, it is unknown at this time whether this variant increases cancer risk. PM2; PP3